The following is an entry in ClinVar:

NM_144643.4(SCLT1):c.290+999C>T

Gene: SCLT1 (sodium channel and clathrin linker 1; minus strand). Cytogenetic location: 4q28.2.
Variant type: single nucleotide variant.
Coding change: c.290+999C>T on transcript NM_144643.4 (MANE Select); 999 bases into the intron after coding-DNA position 290, C replaced by T.
Molecular consequence: intron variant. On other transcripts: synonymous variant (1).
Genome position (GRCh38, 1-based): chr4:129,038,042, G>A on the plus strand (C>T on the coding strand, the complement: SCLT1 is on the minus strand). VCF-style: chr4-129038042-G-A. GRCh37 (hg19) VCF-style: chr4-129959197-G-A.
Other names: c.375C>T, p.Leu125= (NM_001300898.2); c.290+999C>T (NM_001410807.1).
Identifiers: ClinVar variation 3056903 (VCV003056903.2), dbSNP rs78848590, ClinGen allele CA3080001.

ClinVar aggregate classification (germline): Benign (0 of 4 stars; one submission).

Conditions:
SCLT1-related disorder. Also called: SCLT1-related condition.

Allele frequency attached by ClinVar (database versions not stated): gnomAD exomes 0.00074; 1000 Genomes Project 0.01238; 1000 Genomes Project 30x 0.01374; gnomAD 0.01408; TOPMed 0.01618.
gnomAD v4.1: 2,132 of 153,544 alleles (1.4%); highest among the groups gnomAD compares: African/African-American, 4.5%; 50 homozygotes.

Submission:

PreventionGenetics, part of Exact Sciences
Classification: Benign for SCLT1-related condition. Last evaluated: 2019-12-06. Review status: no assertion criteria provided. Collection method: clinical testing. Allele origin: germline.
Comment: This variant is classified as benign based on ACMG/AMP sequence variant interpretation guidelines (Richards et al. 2015 PMID: 25741868, with internal and published modifications).